The following is an entry in ClinVar:

ClinVar aggregate classification (germline): Uncertain significance. Review status: criteria provided, multiple submitters, no conflicts (2 of 4 stars). 4 submissions from 4 submitters: Uncertain significance (3). 1 of the submissions does not count toward it. Last evaluated 2025-12-11.

Conditions:
Hereditary breast ovarian cancer syndrome. Also called: Hereditary breast and ovarian cancer syndrome; Hereditary breast and ovarian cancer; Hereditary breast and ovarian cancer syndrome (HBOC); Breast and ovarian cancer; Hereditary breast and/or ovarian cancer syndrome; BRCA1- and BRCA2-Associated Hereditary Breast and Ovarian Cancer. Identifiers: Orphanet 145, MedGen C0677776, MeSH D061325, MONDO:0003582. Disease mechanism: loss of function.
Breast-ovarian cancer, familial, susceptibility to, 2 (BROVCA2). Also called: BRCA2 Hereditary Breast and Ovarian Cancer. Identifiers: Orphanet 145, MedGen C2675520, MONDO:0012933, OMIM 612555. Disease mechanism: loss of function.
Hereditary cancer-predisposing syndrome. Also called: Neoplastic Syndromes, Hereditary; Tumor predisposition; Hereditary Cancer Syndrome; Hereditary neoplastic syndrome. Identifiers: Orphanet 140162, MedGen C0027672, MeSH D009386, MONDO:0015356.

Allele frequency attached by ClinVar (database versions not stated): gnomAD exomes below 0.00001.
gnomAD v4.1: 1 of 1,613,898 alleles (0.000062%); highest among the groups gnomAD compares: Non-Finnish European, 0.000085%; no homozygotes.

Submissions (4):

Ambry Genetics
Classification: Uncertain significance for Hereditary cancer-predisposing syndrome. Last evaluated: 2025-12-11. Review status: criteria provided, single submitter. Criteria: Ambry Variant Classification Scheme 2023. Collection method: clinical testing. Allele origin: germline.
Comment: The p.E3402K variant (also known as c.10204G>A), located in coding exon 26 of the BRCA2 gene, results from a G to A substitution at nucleotide position 10204. The glutamic acid at codon 3402 is replaced by lysine, an amino acid with similar properties. This amino acid position is not well conserved in available vertebrate species. In addition, this alteration is predicted to be tolerated by in silico analysis. Since supporting evidence is limited at this time, the clinical significance of this alteration remains unclear.

Labcorp Genetics (formerly Invitae), Labcorp
Classification: Uncertain significance for Hereditary breast ovarian cancer syndrome. Last evaluated: 2025-05-19. Review status: criteria provided, single submitter. Criteria: Invitae Variant Classification Sherloc (09022015). Collection method: clinical testing. Allele origin: germline.
Comment: This sequence change replaces glutamic acid, which is acidic and polar, with lysine, which is basic and polar, at codon 3402 of the BRCA2 protein (p.Glu3402Lys). This variant is not present in population databases (gnomAD no frequency). This variant has not been reported in the literature in individuals affected with BRCA2-related conditions. ClinVar contains an entry for this variant (Variation ID: 51054). Invitae Evidence Modeling of protein sequence and biophysical properties (such as structural, functional, and spatial information, amino acid conservation, physicochemical variation, residue mobility, and thermodynamic stability) indicates that this missense variant is not expected to disrupt BRCA2 protein function with a negative predictive value of 95%. In summary, the available evidence is currently insufficient to determine the role of this variant in disease. Therefore, it has been classified as a Variant of Uncertain Significance.

Color Diagnostics, LLC DBA Color Health
Classification: Uncertain significance for Hereditary cancer-predisposing syndrome. Last evaluated: 2019-04-08. Review status: criteria provided, single submitter. Criteria: ACMG Guidelines, 2015. Collection method: clinical testing. Allele origin: germline.

Breast Cancer Information Core (BIC) (BRCA2)
Classification: Uncertain significance for Breast-ovarian cancer, familial 2. Last evaluated: 2010-12-17. Review status: no assertion criteria provided. Collection method: clinical testing. Allele origin: germline. Affected: yes. Observed: 1 variant allele. Not counted in ClinVar's aggregate classification.

NM_000059.4(BRCA2):c.10204G>A (p.Glu3402Lys)

Gene: BRCA2 (BRCA2 DNA repair associated; plus strand). Cytogenetic location: 13q13.1.
Variant type: single nucleotide variant.
Coding change: c.10204G>A on transcript NM_000059.4 (MANE Select); coding-DNA position 10204, G replaced by A.
Protein change: p.Glu3402Lys; replaces glutamic acid 3402 with lysine.
Molecular consequence: missense variant.
Genome position (GRCh38, 1-based): chr13:32,398,717, G>A. VCF-style: chr13-32398717-G-A. GRCh37 (hg19) VCF-style: chr13-32972854-G-A.
Other names: short protein forms E3402K.
Identifiers: ClinVar variation 51054 (VCV000051054.18), dbSNP rs276174804, ClinGen allele CA010462.
Genomic context (GRCh38, chr13:32,398,717, plus strand): 5'-CTGAAACGACGTTGTACTACATCTCTGATCAAAGAACAGGAGAGTTCCCAGGCCAGTACG[G>A]AAGAATGTGAGAAAAATAAGCAGGACACAATTACAACTAAAAAATATATCTAAGCATTTG-3'
Protein context (NP_000050.3, residues 3392-3412): KEQESSQAST[Glu3402Lys]ECEKNKQDTI